The following is an entry in ClinVar:

ClinVar aggregate classification (germline): Uncertain significance (1 of 4 stars; one submission).

Allele frequency attached by ClinVar (database versions not stated): gnomAD exomes below 0.00001 and 0.00001; 1000 Genomes Project 30x 0.00016; 1000 Genomes Project 0.00020.
gnomAD v4.1: 3 of 1,371,140 alleles (0.00022%); highest among the groups gnomAD compares: East Asian, 0.0028%; no homozygotes.

Submission:

Labcorp Genetics (formerly Invitae), Labcorp
Classification: Uncertain significance. Last evaluated: 2021-10-24. Review status: criteria provided, single submitter. Criteria: Invitae Variant Classification Sherloc (09022015). Collection method: clinical testing. Allele origin: germline.
Comment: This variant has not been reported in the literature in individuals affected with VPS13C-related conditions. In summary, the available evidence is currently insufficient to determine the role of this variant in disease. Therefore, it has been classified as a Variant of Uncertain Significance. Algorithms developed to predict the effect of missense changes on protein structure and function (SIFT, PolyPhen-2, Align-GVGD) all suggest that this variant is likely to be tolerated. This variant is not present in population databases (ExAC no frequency). This sequence change replaces aspartic acid with asparagine at codon 2947 of the VPS13C protein (p.Asp2947Asn). The aspartic acid residue is moderately conserved and there is a small physicochemical difference between aspartic acid and asparagine.

NM_020821.3(VPS13C):c.8839G>A (p.Asp2947Asn)

Gene: VPS13C (vacuolar protein sorting 13 homolog C; minus strand). Cytogenetic location: 15q22.2.
Variant type: single nucleotide variant.
Coding change: c.8839G>A on transcript NM_020821.3 (MANE Select); coding-DNA position 8839, G replaced by A.
Protein change: p.Asp2947Asn; replaces aspartic acid 2947 with asparagine.
Molecular consequence: missense variant.
Genome position (GRCh38, 1-based): chr15:61,910,182, C>T on the plus strand (G>A on the coding strand, the complement: VPS13C is on the minus strand). VCF-style: chr15-61910182-C-T. GRCh37 (hg19) VCF-style: chr15-62202381-C-T.
Other names: c.8839G>A, p.Asp2947Asn (NM_001018088.3); c.8710G>A, p.Asp2904Asn (NM_017684.5, NM_018080.4); short protein forms D2947N, D2904N.
Identifiers: ClinVar variation 1348566 (VCV001348566.6), dbSNP rs530652601, ClinGen allele CA271883035.